The following is an entry in ClinVar:

ClinVar aggregate classification (germline): Pathogenic/Likely pathogenic. Review status: criteria provided, multiple submitters, no conflicts (2 of 4 stars). 3 submissions from 3 submitters: Pathogenic (2); Likely pathogenic (1). Last evaluated 2023-07-17.

Conditions:
CALM3-related disorder. Also called: CALM3-related condition.
Long QT syndrome 16. Identifiers: MedGen C5394068, MONDO:0032915, OMIM 618782.
Long QT syndrome 1 (LQT1). Identifiers: Orphanet 101016, Orphanet 768, MedGen C4551647, MONDO:0100316, OMIM 192500, MONDO:0008646.

Submissions (3):

Victorian Clinical Genetics Services, Murdoch Childrens Research Institute
Classification: Pathogenic for Long QT syndrome 16. Last evaluated: 2023-07-17. Review status: criteria provided, single submitter. Criteria: ACMG Guidelines, 2015. Collection method: clinical testing. Allele origin: germline. Inheritance: Autosomal dominant inheritance. Affected: yes.
Comment: Based on the classification scheme VCGS_Germline_v1.3.4, this variant is classified as Pathogenic. Following criteria are met: 0102 - Loss of function is a likely mechanism of disease in this gene and is associated with long QT syndrome 16 (MIM# 618782). (I) 0107 - This gene is associated with autosomal dominant disease. (I) 0200 - Variant is predicted to result in a missense amino acid change from aspartic acid to histidine. (I) 0251 - This variant is heterozygous. (I) 0301 - Variant is absent from gnomAD (both v2 and v3). (SP) 0502 - Missense variant with conflicting in silico predictions and uninformative conservation. (I) 0603 - Missense variant in a region that is highly intolerant to missense variation (high constraint region in DECIPHER). This variant is also a binding site within the EF-hand III domain pair (DECIPHER, PMID: 30574507). (SP) 0710 - Another missense variant comparable to the one identified in this case has inconclusive previous evidence for pathogenicity. The p.(Asp96Gly) variant has been identified in one individual with LQTS and classified as a VUS (PMID: 30847666). (I) 0802 - This variant has moderate previous evidence of pathogenicity in unrelated individuals. This variant has been classified once as pathogenic by a clinical diagnostic laboratory (ClinVar). (SP) 0905 - No published segregation evidence has been identified for this variant. (I) 1007 - No published functional evidence has been identified for this variant. (I) 1207 - Parental origin of the variant is unresolved. However, the proband's father has not been tested for the variant and it is unclear if the variant is de novo or paternally inherited. (I) Legend: (SP) - Supporting pathogenic, (I) - Information, (SB) - Supporting benign

Labcorp Genetics (formerly Invitae), Labcorp
Classification: Pathogenic for Long QT syndrome 1. Last evaluated: 2018-12-06. Review status: criteria provided, single submitter. Criteria: Invitae Variant Classification Sherloc (09022015). Collection method: clinical testing. Allele origin: germline.
Comment: Algorithms developed to predict the effect of missense changes on protein structure and function (SIFT, PolyPhen-2, Align-GVGD) all suggest that this variant is likely to be disruptive, but these predictions have not been confirmed by published functional studies. This sequence change replaces aspartic acid with histidine at codon 96 of the CALM3 protein (p.Asp96His). The aspartic acid residue is highly conserved and there is a moderate physicochemical difference between aspartic acid and histidine. It also falls at the first nucleotide of exon 5 of the CALM3 coding sequence. This variant is not present in population databases (ExAC no frequency). There are three different genes that encode calmodulin (CALM1, CALM2, and CALM3) that all have the same amino acid sequence, which suggests that changes in one version of the gene would have a similar effect on other versions of the gene (PMID: 26969752) A different missense substitution at this codon in CALM2 (p.Asp96Val) has been determined to be pathogenic (PMID: 23388215, 24563457, 24816216, 24958779). This suggests that the aspartic acid residue is critical for CALM3 protein function and that other missense substitutions affecting this residue may also be pathogenic. For these reasons, this variant has been classified as Pathogenic. ClinVar contains an entry for this variant (Variation ID: 409870).

Blueprint Genetics
Classification: Likely pathogenic for CALM3-related disorders. Last evaluated: 2017-10-11. Review status: criteria provided, single submitter. Criteria: ACMG Guidelines, 2015. Collection method: clinical testing. Allele origin: germline. Affected: yes. Observed: 1 variant allele.

Literature cited by the submitters: PubMed 28491681 (cited by Victorian Clinical Genetics Services, Murdoch Childrens Research Institute and Labcorp Genetics (formerly Invitae), Labcorp); PubMed 30530868 (cited by Victorian Clinical Genetics Services, Murdoch Childrens Research Institute); PubMed 30574507 (cited by Victorian Clinical Genetics Services, Murdoch Childrens Research Institute); PubMed 30847666 (cited by Victorian Clinical Genetics Services, Murdoch Childrens Research Institute); PubMed 31535183 (cited by Victorian Clinical Genetics Services, Murdoch Childrens Research Institute); PubMed 26969752 (cited by Labcorp Genetics (formerly Invitae), Labcorp); PubMed 23388215 (cited by Labcorp Genetics (formerly Invitae), Labcorp); PubMed 24563457 (cited by Labcorp Genetics (formerly Invitae), Labcorp); PubMed 24816216 (cited by Labcorp Genetics (formerly Invitae), Labcorp); PubMed 24958779 (cited by Labcorp Genetics (formerly Invitae), Labcorp).

NM_005184.4(CALM3):c.286G>C (p.Asp96His)

Gene: CALM3 (calmodulin 3; plus strand). Cytogenetic location: 19q13.32.
Variant type: single nucleotide variant.
Coding change: c.286G>C on transcript NM_005184.4 (MANE Select); coding-DNA position 286, G replaced by C.
Protein change: p.Asp96His; replaces aspartic acid 96 with histidine.
Molecular consequence: missense variant.
Genome position (GRCh38, 1-based): chr19:46,608,846, G>C. VCF-style: chr19-46608846-G-C. GRCh37 (hg19) VCF-style: chr19-47112103-G-C.
Other names: c.178G>C, p.Asp60His (NM_001329921.1, NM_001329923.1, NM_001329924.2 and 2 more transcripts); c.286G>C, p.Asp96His (NM_001329922.1); c.286G>C (NM_005184.3); short protein forms D96H, D60H.
Identifiers: ClinVar variation 409870 (VCV000409870.13), dbSNP rs1060502607, ClinGen allele CA16616292.
Genomic context (GRCh38, chr19:46,608,846, plus strand): 5'-CACTGCCTCTCTCCCCACCGGGAGAAGTGCCCAGTGAAAGGCTTTATCCCCAACCCCCAG[G>C]ATGGGAATGGCTACATCAGCGCCGCAGAGCTGCGTCACGTAATGACGAACCTGGGGGAGA-3'
Protein context (NP_005175.2, residues 86-106): IREAFRVFDK[Asp96His]GNGYISAAEL